The following is an entry in ClinVar:

ClinVar aggregate classification (germline): Conflicting classifications of pathogenicity. Review status: criteria provided, conflicting classifications (1 of 4 stars). 2 submissions from 2 submitters: Likely pathogenic (1); Likely benign (1). Last evaluated 2025-02-26.

Conditions:
Hereditary cancer-predisposing syndrome. Also called: Hereditary neoplastic syndrome; Neoplastic Syndromes, Hereditary; Tumor predisposition; Hereditary Cancer Syndrome. Identifiers: Orphanet 140162, MedGen C0027672, MeSH D009386, MONDO:0015356.
Cardiovascular phenotype. Identifiers: MedGen CN230736.

gnomAD v4.1: 3 of 1,614,162 alleles (0.00019%); highest among the groups gnomAD compares: Non-Finnish European, 0.00025%; no homozygotes.

Submissions (2):

Ambry Genetics
Classification: Likely pathogenic for Cardiovascular phenotype; Hereditary cancer-predisposing syndrome. Last evaluated: 2025-02-26. Review status: criteria provided, single submitter. Criteria: Ambry Variant Classification Scheme 2023. Collection method: clinical testing. Allele origin: germline.
Comment: The c.372C>G variant (also known as p.V124V), located in coding exon 4 of the LZTR1 gene, results from a C to G substitution at nucleotide position 372. This nucleotide substitution does not change the at codon 124. This nucleotide position is poorly conserved in available vertebrate species. In silico splice site analysis predicts that this alteration will not have any significant effect on splicing. However, RNA studies have demonstrated that this alteration results in abnormal splicing in the set of samples tested (Ambry internal data). In addition, another alteration impacting the same nucleotide position (c.372C>T p.V124V) has been shown to have a similar impact on splicing and has been reported in multiple autosomal recessive Noonan syndrome probands in conjunction with other variants in LZTR1 (Uluda Alkaya D et al. Am J Med Genet A, 2021 Dec;185:3623-3633; Ambry internal data). Loss-of-function variants in LZTR1 are related to an increased risk for schwannomas and autosomal recessive Noonan syndrome; however, such associations with autosomal dominant Noonan syndrome have not been observed (Piotrowski A et al. Nat Genet. 2014 Feb;46:182-7; Yamamoto GL et al. J Med Genet. 2015 Jun;52:413-21; Johnston JJ et al. Genet Med. 2018 10;20:1175-1185). Based on the supporting evidence, this variant is likely pathogenic for an increased risk of LZTR1-related schwannomatosis (SWN) and would be expected to cause autosomal recessive Noonan syndrome when present along with a second pathogenic or likely pathogenic variant on the other allele; however, the association of this alteration with autosomal dominant Noonan syndrome is unlikely.

Labcorp Genetics (formerly Invitae), Labcorp
Classification: Likely benign. Last evaluated: 2024-01-04. Review status: criteria provided, single submitter. Criteria: Invitae Variant Classification Sherloc (09022015). Collection method: clinical testing. Allele origin: germline.

NM_006767.4(LZTR1):c.372C>G (p.Val124=)

Gene: LZTR1 (leucine zipper like post translational regulator 1; plus strand). Cytogenetic location: 22q11.21.
Variant type: single nucleotide variant.
Coding change: c.372C>G on transcript NM_006767.4 (MANE Select); coding-DNA position 372, C replaced by G.
Protein change: p.Val124=; no amino-acid change (valine 124 retained).
Molecular consequence: synonymous variant.
Genome position (GRCh38, 1-based): chr22:20,987,555, C>G. VCF-style: chr22-20987555-C-G. GRCh37 (hg19) VCF-style: chr22-21341844-C-G.
Identifiers: ClinVar variation 1664440 (VCV001664440.10), dbSNP rs371891909, ClinGen allele CA513489143.